The following is an entry in ClinVar:

NM_001111067.4(ACVR1):c.1142A>G (p.Tyr381Cys)

Gene: ACVR1 (activin A receptor type 1; minus strand). Cytogenetic location: 2q24.1.
Variant type: single nucleotide variant.
Coding change: c.1142A>G on transcript NM_001111067.4 (MANE Select); coding-DNA position 1142, A replaced by G.
Protein change: p.Tyr381Cys; replaces tyrosine 381 with cysteine.
Molecular consequence: missense variant.
Genome position (GRCh38, 1-based): chr2:157,761,002, T>C on the plus strand (A>G on the coding strand, the complement: ACVR1 is on the minus strand). VCF-style: chr2-157761002-T-C. GRCh37 (hg19) VCF-style: chr2-158617514-T-C.
Other names: c.1142A>G, p.Tyr381Cys (NM_001105.5, NM_001347663.1, NM_001347664.1 and 3 more transcripts); short protein forms Y381C.
Identifiers: ClinVar variation 2038491 (VCV002038491.5), dbSNP rs2467919591, ClinGen allele CA349189545.
Genomic context (GRCh38, chr2:157,761,002, plus strand): 5'-CTTTTATAAGAATCGAAACAATCCACCTGGATGGTTTCATCTAGAACTTCGGGGGCCATG[T>C]AGCGCTTGGTGCCCACACGGGGATTGTTCCCCACATCAAGCTGATTGGTGCTCTGGGAAT-3'
Protein context (NP_001104537.1, residues 371-391): GNNPRVGTKR[Tyr381Cys]MAPEVLDETI

ClinVar aggregate classification (germline): Uncertain significance. Review status: criteria provided, multiple submitters, no conflicts (2 of 4 stars). 2 submissions from 2 submitters: Uncertain significance (2). Last evaluated 2022-07-12.

Conditions:
Congenital heart disease (CHD). Identifiers: MedGen C0152021, MONDO:0005453. Disease mechanism: unknown.

Submissions (2):

Labcorp Genetics (formerly Invitae), Labcorp
Classification: Uncertain significance. Last evaluated: 2022-07-12. Review status: criteria provided, single submitter. Criteria: Invitae Variant Classification Sherloc (09022015). Collection method: clinical testing. Allele origin: germline.
Comment: This variant has not been reported in the literature in individuals affected with ACVR1-related conditions. This sequence change replaces tyrosine, which is neutral and polar, with cysteine, which is neutral and slightly polar, at codon 381 of the ACVR1 protein (p.Tyr381Cys). This variant is not present in population databases (gnomAD no frequency). Algorithms developed to predict the effect of missense changes on protein structure and function (SIFT, PolyPhen-2, Align-GVGD) all suggest that this variant is likely to be disruptive. In summary, the available evidence is currently insufficient to determine the role of this variant in disease. Therefore, it has been classified as a Variant of Uncertain Significance.

Department of Pathology and Laboratory Medicine, Sinai Health System
Classification: Uncertain significance for congenital heart disease. Last evaluated: 2022-05-03. Review status: criteria provided, single submitter. Criteria: ACMG Guidelines, 2015. Collection method: research. Allele origin: germline.